The following is an entry in ClinVar:

NC_000005.10:g.112707333G>T

Gene: APC (APC regulator of Wnt signaling pathway; plus strand). Cytogenetic location: 5q22.2.
Variant type: single nucleotide variant.
Genome position: GRCh38 VCF-style: chr5-112707333-G-T. GRCh37 (hg19) VCF-style: chr5-112043030-G-T.
Identifiers: ClinVar variation 537589 (VCV000537589.11), dbSNP rs1554060090, ClinGen allele CA658796584.
Genomic context (GRCh38, chr5:112,707,333, plus strand): 5'-ATAATGGACTAGTGTGTGCAGAAGGATCTATTAACTGGGCTGCAGCACAATTCAGAGAAG[G>T]CCAGTAAGTGCTGCAACTGAGACTCGGCTGCCTAGGCAGCAATGGCTCACGGGACAGAAC-3'

ClinVar aggregate classification (germline): Uncertain significance. Review status: criteria provided, single submitter (1 of 4 stars). 2 submissions from 2 submitters: Uncertain significance (1). 1 of the submissions does not count toward it. Last evaluated 2026-01-06.

Conditions:
APC-related disorder. Also called: APC-related condition.
Familial adenomatous polyposis 1 (FAP1). Also called: FAMILIAL ADENOMATOUS POLYPOSIS 1, ATTENUATED; POLYPOSIS, ADENOMATOUS INTESTINAL. Identifiers: MedGen C2713442, MONDO:0021056, OMIM 175100. Disease mechanism: loss of function.

Allele frequency attached by ClinVar (database versions not stated): gnomAD 0.00001; TOPMed 0.00001.

Submissions (2):

Labcorp Genetics (formerly Invitae), Labcorp
Classification: Uncertain significance for Familial adenomatous polyposis 1. Last evaluated: 2026-01-06. Review status: criteria provided, single submitter. Criteria: Invitae Variant Classification Sherloc (09022015). Collection method: clinical testing. Allele origin: germline.
Comment: This variant occurs in a non-coding region of the APC gene. It does not change the encoded amino acid sequence of the APC protein. This variant is not present in population databases (gnomAD no frequency). This variant has not been reported in the literature in individuals affected with APC-related conditions. ClinVar contains an entry for this variant (Variation ID: 537589). Experimental studies and prediction algorithms are not available or were not evaluated, and the functional significance of this variant is currently unknown. In summary, the available evidence is currently insufficient to determine the role of this variant in disease. Therefore, it has been classified as a Variant of Uncertain Significance.

PreventionGenetics, part of Exact Sciences
Classification: Likely benign for APC-related condition. Last evaluated: 2022-02-09. Review status: no assertion criteria provided. Collection method: clinical testing. Allele origin: germline. Not counted in ClinVar's aggregate classification.
Comment: This variant is classified as likely benign based on ACMG/AMP sequence variant interpretation guidelines (Richards et al. 2015 PMID: 25741868, with internal and published modifications).